The following is an entry in ClinVar:

NM_018136.5(ASPM):c.3853_3854del (p.Asp1285fs)

Gene: ASPM (assembly factor for spindle microtubules; minus strand). Cytogenetic location: 1q31.3.
Variant type: Deletion.
Coding change: c.3853_3854del on transcript NM_018136.5 (MANE Select); coding-DNA positions 3853 to 3854, 2 bases deleted (GA; older notation c.3853_3854delGA).
Protein change: p.Asp1285fs; shifts the reading frame from aspartic acid 1285.
Molecular consequence: frameshift variant.
Genome position (GRCh38, 1-based): chr1:197,121,931-197,121,932, TC deleted on the plus strand (GA on the coding strand, the reverse complement: ASPM is on the minus strand); deleting any 2 consecutive bases within chr1:197,121,931-197,121,933 gives the same sequence; the c. name uses the placement nearest the transcript's 3' end. VCF-style (leftmost placement, unchanged base first): chr1-197121930-ATC-A. GRCh37 (hg19) VCF-style: chr1-197091060-ATC-A.
Other names: c.3853_3854del, p.Asp1285fs (NM_001206846.2); c.3853_3854delGA (NM_018136.4); short protein forms D1285fs.
Identifiers: ClinVar variation 157813 (VCV000157813.15), dbSNP rs587783239, ClinGen allele CA271033.
Genomic context (GRCh38, chr1:197,121,930, plus strand): 5'-CTAAAGTATAATTCACACTATAGTAGTTTCATATTCTAGGAGTACCTGATGGCGTTTGAG[ATC>A]TGTTTTTAGTTTATATTTTCTCCATGTTGTTTGTATGAGTCGAGCAGCTCTTATTTCTTT-3'

ClinVar aggregate classification (germline): Pathogenic/Likely pathogenic. Review status: criteria provided, multiple submitters, no conflicts (2 of 4 stars). 6 submissions from 6 submitters: Pathogenic (5); Likely pathogenic (1). Last evaluated 2024-03-04.

Conditions:
ASPM-related disorder. Also called: ASPM-related condition.
Inborn genetic diseases. Identifiers: MedGen C0950123, MeSH D030342.
Microcephaly 5, primary, autosomal recessive (MCPH5). Also called: ASPM Primary Microcephaly. Identifiers: Orphanet 2512, MedGen C1837501, MONDO:0012106, OMIM 608716.

Submissions (6):

Labcorp Genetics (formerly Invitae), Labcorp
Classification: Pathogenic. Last evaluated: 2024-03-04. Review status: criteria provided, single submitter. Criteria: Invitae Variant Classification Sherloc (09022015). Collection method: clinical testing. Allele origin: germline.
Comment: This sequence change creates a premature translational stop signal (p.Asp1285Serfs*32) in the ASPM gene. It is expected to result in an absent or disrupted protein product. Loss-of-function variants in ASPM are known to be pathogenic (PMID: 19028728, 23611254). This variant is present in population databases (rs587783239, gnomAD 0.009%). This premature translational stop signal has been observed in individual(s) with ASPM-related conditions (PMID: 23611254). ClinVar contains an entry for this variant (Variation ID: 157813). For these reasons, this variant has been classified as Pathogenic.

GeneDx
Classification: Pathogenic. Last evaluated: 2023-11-30. Review status: criteria provided, single submitter. Criteria: GeneDx Variant Classification Process June 2021. Collection method: clinical testing. Allele origin: germline.
Comment: Reported previously with a frameshift and a missense ASPM variant in a patient with primary microcephaly, but it is not known whether the variants occurred on the same (in cis) or on different (in trans) chromosomes (PMID: 23611254); Frameshift variant predicted to result in protein truncation or nonsense mediated decay in a gene for which loss of function is a known mechanism of disease; Not observed at significant frequency in large population cohorts (gnomAD); This variant is associated with the following publications: (PMID: 37599996, 23611254)

Genome-Nilou Lab
Classification: Likely pathogenic for Microcephaly 5, primary, autosomal recessive. Last evaluated: 2023-04-11. Review status: criteria provided, single submitter. Criteria: ACMG Guidelines, 2015. Collection method: clinical testing. Allele origin: germline. Affected: no.

Ambry Genetics
Classification: Pathogenic for Inborn genetic diseases. Last evaluated: 2022-06-17. Review status: criteria provided, single submitter. Criteria: Ambry Variant Classification Scheme 2023. Collection method: clinical testing. Allele origin: germline.
Comment: The c.3853_3854delGA (p.D1285Sfs*32) alteration, located in exon 16 (coding exon 16) of the ASPM gene, consists of a deletion of 2 nucleotides from position 3853 to 3854, causing a translational frameshift with a predicted alternate stop codon after 32 amino acids. This alteration is expected to result in loss of function by premature protein truncation or nonsense-mediated mRNA decay. Based on data from gnomAD, the -- allele has an overall frequency of <0.01% (3/251074) total alleles studied. The highest observed frequency was 0.01% (3/34554) of Latino alleles. This variant was identified in one individual with a clinical suspicion of primary microcephaly in conjunction with a second frameshift variant (Tan, 2014). Based on the available evidence, this alteration is classified as pathogenic.

Blueprint Genetics
Classification: Pathogenic for ASPM-related disorders. Last evaluated: 2020-11-04. Review status: criteria provided, single submitter. Criteria: ACMG Guidelines, 2015. Collection method: clinical testing. Allele origin: germline. Affected: yes. Observed: 1 variant allele.

Genetic Services Laboratory, University of Chicago
Classification: Pathogenic for Microcephaly 5, primary, autosomal recessive. Last evaluated: 2013-02-08. Review status: criteria provided, single submitter. Criteria: ACMG Guidelines, 2007. Collection method: clinical testing. Allele origin: germline. Inheritance: Autosomal recessive inheritance. Affected: yes.

Literature cited by the submitters: PubMed 19028728 (cited by Labcorp Genetics (formerly Invitae), Labcorp); PubMed 23611254 (cited by Labcorp Genetics (formerly Invitae), Labcorp and Ambry Genetics).